The following is an entry in ClinVar:

NM_000255.4(MMUT):c.1760A>C (p.Tyr587Ser)

Gene: MMUT (methylmalonyl-CoA mutase; minus strand). Cytogenetic location: 6p12.3.
Variant type: single nucleotide variant.
Coding change: c.1760A>C on transcript NM_000255.4 (MANE Select); coding-DNA position 1760, A replaced by C.
Protein change: p.Tyr587Ser; replaces tyrosine 587 with serine.
Molecular consequence: missense variant.
Genome position (GRCh38, 1-based): chr6:49,441,888, T>G on the plus strand (A>C on the coding strand, the complement: MMUT is on the minus strand). VCF-style: chr6-49441888-T-G. GRCh37 (hg19) VCF-style: chr6-49409601-T-G.
Other names: short protein forms Y587S.
Identifiers: ClinVar variation 946943 (VCV000946943.9), dbSNP rs1767285693, ClinGen allele CA364395812.

ClinVar aggregate classification (germline): Likely pathogenic (1 of 4 stars; one submission).

Submission:

Labcorp Genetics (formerly Invitae), Labcorp
Classification: Likely pathogenic. Last evaluated: 2023-08-21. Review status: criteria provided, single submitter. Criteria: Invitae Variant Classification Sherloc (09022015). Collection method: clinical testing. Allele origin: germline.
Comment: In summary, the currently available evidence indicates that the variant is pathogenic, but additional data are needed to prove that conclusively. Therefore, this variant has been classified as Likely Pathogenic. This variant disrupts the p.Tyr587 amino acid residue in MUT. Other variant(s) that disrupt this residue have been observed in individuals with MUT-related conditions (PMID: 15643616), which suggests that this may be a clinically significant amino acid residue. Advanced modeling of protein sequence and biophysical properties (such as structural, functional, and spatial information, amino acid conservation, physicochemical variation, residue mobility, and thermodynamic stability) performed at Invitae indicates that this missense variant is expected to disrupt MUT protein function. ClinVar contains an entry for this variant (Variation ID: 946943). This sequence change replaces tyrosine, which is neutral and polar, with serine, which is neutral and polar, at codon 587 of the MUT protein (p.Tyr587Ser). This variant is not present in population databases (gnomAD no frequency). This missense change has been observed in individuals with methylmalonic aciduria (PMID: 22614770).

Literature cited by the submitters: PubMed 15643616; PubMed 22614770.